The following is an entry in ClinVar:

NM_152618.3(BBS12):c.1851A>G (p.Thr617=)

Gene: BBS12 (Bardet-Biedl syndrome 12; plus strand). Cytogenetic location: 4q27.
Variant type: single nucleotide variant.
Coding change: c.1851A>G on transcript NM_152618.3 (MANE Select); coding-DNA position 1851, A replaced by G.
Protein change: p.Thr617=; no amino-acid change (threonine 617 retained).
Molecular consequence: synonymous variant.
Genome position (GRCh38, 1-based): chr4:122,743,743, A>G. VCF-style: chr4-122743743-A-G. GRCh37 (hg19) VCF-style: chr4-123664898-A-G.
Other names: c.1851A>G (NM_152618.2); c.1851A>G, p.Thr617= (NM_001178007.2).
Identifiers: ClinVar variation 2890934 (VCV002890934.4), dbSNP rs369934327, ClinGen allele CA105249229.

ClinVar aggregate classification (germline): Likely benign. Review status: criteria provided, single submitter (1 of 4 stars). 2 submissions from 2 submitters: Likely benign (1). 1 of the submissions does not count toward it. Last evaluated 2025-10-28.

Conditions:
BBS12-related disorder. Also called: BBS12-related condition.
Bardet-Biedl syndrome (BBS). Identifiers: Orphanet 110, MedGen C0752166, MONDO:0015229.

Allele frequency attached by ClinVar (database versions not stated): gnomAD exomes below 0.00001; TOPMed below 0.00001; gnomAD 0.00001; ESP Exome Variant Server 0.00015.
gnomAD v4.1: 2 of 1,614,114 alleles (0.00012%); highest among the groups gnomAD compares: East Asian, 0.0022%; no homozygotes.

Submissions (2):

Labcorp Genetics (formerly Invitae), Labcorp
Classification: Likely benign for Bardet-Biedl syndrome. Last evaluated: 2025-10-28. Review status: criteria provided, single submitter. Criteria: Invitae Variant Classification Sherloc (09022015). Collection method: clinical testing. Allele origin: germline.

PreventionGenetics, part of Exact Sciences
Classification: Likely benign for BBS12-related condition. Last evaluated: 2024-04-14. Review status: no assertion criteria provided. Collection method: clinical testing. Allele origin: germline. Not counted in ClinVar's aggregate classification.
Comment: This variant is classified as likely benign based on ACMG/AMP sequence variant interpretation guidelines (Richards et al. 2015 PMID: 25741868, with internal and published modifications).